The following is an entry in ClinVar:

NM_030665.4(RAI1):c.3425G>A (p.Arg1142His)

Gene: RAI1 (retinoic acid induced 1; plus strand). Cytogenetic location: 17p11.2.
Variant type: single nucleotide variant.
Coding change: c.3425G>A on transcript NM_030665.4 (MANE Select); coding-DNA position 3425, G replaced by A.
Protein change: p.Arg1142His; replaces arginine 1142 with histidine.
Molecular consequence: missense variant.
Genome position (GRCh38, 1-based): chr17:17,796,373, G>A. VCF-style: chr17-17796373-G-A. GRCh37 (hg19) VCF-style: chr17-17699687-G-A.
Other names: short protein forms R1142H.
Identifiers: ClinVar variation 1691659 (VCV001691659.10), dbSNP rs2032249630, ClinGen allele CA398553699.

ClinVar aggregate classification (germline): Conflicting classifications of pathogenicity. Review status: criteria provided, conflicting classifications (1 of 4 stars). 4 submissions from 4 submitters: Uncertain significance (3); Benign (1). Last evaluated 2026-09-14.

Conditions:
Inborn genetic diseases. Identifiers: MedGen C0950123, MeSH D030342.
RAI1-related disorder. Also called: RAI1-related condition.

Allele frequency attached by ClinVar (database versions not stated): gnomAD exomes below 0.00001; TOPMed 0.00002.
gnomAD v4.1: 2 of 1,613,686 alleles (0.00012%); highest among the groups gnomAD compares: Non-Finnish European, 0.000085%; no homozygotes.

Submissions (4):

PreventionGenetics, part of Exact Sciences
Classification: Uncertain significance for RAI1-related condition. Last evaluated: 2026-09-14. Review status: criteria provided, single submitter. Criteria: ACMG Guidelines, 2015. Collection method: clinical testing. Allele origin: germline.
Comment: The RAI1 c.3425G>A variant is predicted to result in the amino acid substitution p.Arg1142His. To our knowledge, this variant has not been reported in the literature or in a large population database (gnomAD), indicating this variant is rare. At this time, the clinical significance of this variant is uncertain due to the absence of conclusive functional and genetic evidence.

Labcorp Genetics (formerly Invitae), Labcorp
Classification: Benign. Last evaluated: 2025-10-16. Review status: criteria provided, single submitter. Criteria: Invitae Variant Classification Sherloc (09022015). Collection method: clinical testing. Allele origin: germline.

GeneDx
Classification: Uncertain significance. Last evaluated: 2022-06-10. Review status: criteria provided, single submitter. Criteria: GeneDx Variant Classification Process June 2021. Collection method: clinical testing. Allele origin: germline. Affected: yes.
Comment: Not observed at significant frequency in large population cohorts (gnomAD); In silico analysis supports that this missense variant does not alter protein structure/function; Has not been previously published as pathogenic or benign to our knowledge

Ambry Genetics
Classification: Uncertain significance for Inborn genetic diseases. Last evaluated: 2018-12-20. Review status: criteria provided, single submitter. Criteria: Ambry Variant Classification Scheme 2023. Collection method: clinical testing. Allele origin: germline.
Comment: The p.R1142H variant (also known as c.3425G>A), located in coding exon 1 of the RAI1 gene, results from a G to A substitution at nucleotide position 3425. The arginine at codon 1142 is replaced by histidine, an amino acid with highly similar properties. This amino acid position is well conserved in available vertebrate species. In addition, this alteration is predicted to be tolerated by in silico analysis. Since supporting evidence is limited at this time, the clinical significance of this alteration remains unclear.